The following is an entry in ClinVar:

ClinVar aggregate classification (germline): Uncertain significance (1 of 4 stars; one submission).

Conditions:
Loeys-Dietz syndrome 2 (LDS2). Also called: TGFBR2-Related Loeys-Dietz Syndrome; AORTIC ANEURYSM, FAMILIAL THORACIC 3; MARFAN SYNDROME, TYPE II; Marfan syndrome, type 2 (formerly); Marfan Syndrome type 2; Marfan like connective tissue disorder. Identifiers: Orphanet 284973, Orphanet 558, MedGen C2674574, MONDO:0012427, OMIM 610168.

Allele frequency attached by ClinVar (database versions not stated): gnomAD exomes 0.00001; TOPMed 0.00001.
gnomAD v4.1: 5 of 1,614,250 alleles (0.00031%); highest among the groups gnomAD compares: Admixed American, 0.0033%; no homozygotes.

Submission:

Labcorp Genetics (formerly Invitae), Labcorp
Classification: Uncertain significance for Loeys-Dietz syndrome 2. Last evaluated: 2022-04-19. Review status: criteria provided, single submitter. Criteria: Invitae Variant Classification Sherloc (09022015). Collection method: clinical testing. Allele origin: germline.
Comment: This sequence change replaces tryptophan, which is neutral and slightly polar, with arginine, which is basic and polar, at codon 506 of the TMPO protein (p.Trp506Arg). This variant is present in population databases (no rsID available, gnomAD 0.003%). This variant has not been reported in the literature in individuals affected with TMPO-related conditions. Algorithms developed to predict the effect of missense changes on protein structure and function are either unavailable or do not agree on the potential impact of this missense change (SIFT: "Tolerated"; PolyPhen-2: "Probably Damaging"; Align-GVGD: "Class C0"). In summary, the available evidence is currently insufficient to determine the role of this variant in disease. Therefore, it has been classified as a Variant of Uncertain Significance.

NM_001032283.3(TMPO):c.565+1935T>C

Gene: TMPO (thymopoietin; plus strand). Cytogenetic location: 12q23.1.
Variant type: single nucleotide variant.
Coding change: c.565+1935T>C on transcript NM_001032283.3 (MANE Select); 1935 bases into the intron after coding-DNA position 565, T replaced by C.
Molecular consequence: intron variant. On other transcripts: missense variant (1).
Genome position (GRCh38, 1-based): chr12:98,533,773, T>C. VCF-style: chr12-98533773-T-C. GRCh37 (hg19) VCF-style: chr12-98927551-T-C.
Other names: c.1516T>C, p.Trp506Arg (NM_003276.2); c.565+1935T>C (NM_001307975.2, NM_001032284.3); short protein forms W506R.
Identifiers: ClinVar variation 2040388 (VCV002040388.4), dbSNP rs1375655151, ClinGen allele CA386153362.